The following is an entry in ClinVar:

NM_003361.4(UMOD):c.805G>A (p.Gly269Ser)

Gene: UMOD (uromodulin; minus strand). Cytogenetic location: 16p12.3.
Variant type: single nucleotide variant.
Coding change: c.805G>A on transcript NM_003361.4 (MANE Select); coding-DNA position 805, G replaced by A.
Protein change: p.Gly269Ser; replaces glycine 269 with serine.
Molecular consequence: missense variant. On other transcripts: non-coding transcript variant (1).
Genome position (GRCh38, 1-based): chr16:20,348,496, C>T on the plus strand (G>A on the coding strand, the complement: UMOD is on the minus strand). VCF-style: chr16-20348496-C-T. GRCh37 (hg19) VCF-style: chr16-20359818-C-T.
Other names: c.805G>A, p.Gly269Ser (NM_001008389.3, NM_001378232.1, NM_001378233.1 and 3 more transcripts); c.904G>A, p.Gly302Ser (NM_001278614.2); short protein forms G269S, G302S.
Identifiers: ClinVar variation 3673678 (VCV003673678.2).

ClinVar aggregate classification (germline): Uncertain significance (1 of 4 stars; one submission).

gnomAD v4.1: 3 of 1,611,180 alleles (0.00019%); highest among the groups gnomAD compares: African/African-American, 0.0027%; no homozygotes.

Submission:

Labcorp Genetics (formerly Invitae), Labcorp
Classification: Uncertain significance. Last evaluated: 2025-08-24. Review status: criteria provided, single submitter. Criteria: Invitae Variant Classification Sherloc (09022015). Collection method: clinical testing. Allele origin: germline.
Comment: This sequence change replaces glycine, which is neutral and non-polar, with serine, which is neutral and polar, at codon 269 of the UMOD protein (p.Gly269Ser). The frequency data for this variant in the population databases is considered unreliable, as metrics indicate poor data quality at this position in the gnomAD database. This variant has not been reported in the literature in individuals affected with UMOD-related conditions. ClinVar contains an entry for this variant (Variation ID: 3673678). Invitae Evidence Modeling of protein sequence and biophysical properties (such as structural, functional, and spatial information, amino acid conservation, physicochemical variation, residue mobility, and thermodynamic stability) indicates that this missense variant is not expected to disrupt UMOD protein function with a negative predictive value of 80%. In summary, the available evidence is currently insufficient to determine the role of this variant in disease. Therefore, it has been classified as a Variant of Uncertain Significance.